The following is an entry in ClinVar:

ClinVar aggregate classification (germline): Uncertain significance. Review status: criteria provided, multiple submitters, no conflicts (2 of 4 stars). 3 submissions from 3 submitters: Uncertain significance (3). Last evaluated 2025-09-17.

Conditions:
Cardiovascular phenotype. Identifiers: MedGen CN230736.
Distal myopathy with posterior leg and anterior hand involvement. Also called: WILLIAMS DISTAL MYOPATHY. Identifiers: Orphanet 63273, MedGen C3279722, MONDO:0013550, OMIM 614065.
Myofibrillar myopathy 5. Also called: Filaminopathy (type); FILAMINOPATHY, AUTOSOMAL DOMINANT. Identifiers: Orphanet 171445, MedGen C1836050, MONDO:0012289, OMIM 609524.
Hypertrophic cardiomyopathy 26. Also called: Cardiomyopathy, familial hypertrophic, 26. Identifiers: Orphanet 75249, MedGen C4310749, MONDO:0014883, OMIM 617047.

Allele frequency attached by ClinVar (database versions not stated): gnomAD exomes below 0.00001; gnomAD 0.00001; ExAC 0.00002.
gnomAD v4.1: 1 of 1,613,064 alleles (0.000062%); highest among the groups gnomAD compares: Non-Finnish European, 0.000085%; no homozygotes.

Submissions (3):

Ambry Genetics
Classification: Uncertain significance for Cardiovascular phenotype. Last evaluated: 2025-09-17. Review status: criteria provided, single submitter. Criteria: Ambry Variant Classification Scheme 2023. Collection method: clinical testing. Allele origin: germline.
Comment: The p.F42S variant (also known as c.125T>C), located in coding exon 1 of the FLNC gene, results from a T to C substitution at nucleotide position 125. The phenylalanine at codon 42 is replaced by serine, an amino acid with highly dissimilar properties. This amino acid position is conserved. In addition, this alteration is predicted to be deleterious by in silico analysis. Based on the available evidence, the clinical significance of this variant remains unclear.

Labcorp Genetics (formerly Invitae), Labcorp
Classification: Uncertain significance for Distal myopathy with posterior leg and anterior hand involvement; Myofibrillar myopathy 5; Hypertrophic cardiomyopathy 26. Last evaluated: 2025-02-25. Review status: criteria provided, single submitter. Criteria: Invitae Variant Classification Sherloc (09022015). Collection method: clinical testing. Allele origin: germline.
Comment: This sequence change replaces phenylalanine, which is neutral and non-polar, with serine, which is neutral and polar, at codon 42 of the FLNC protein (p.Phe42Ser). This variant is present in population databases (rs777706683, gnomAD 0.0009%). This variant has not been reported in the literature in individuals affected with FLNC-related conditions. ClinVar contains an entry for this variant (Variation ID: 539424). Invitae Evidence Modeling of protein sequence and biophysical properties (such as structural, functional, and spatial information, amino acid conservation, physicochemical variation, residue mobility, and thermodynamic stability) has been performed for this missense variant. However, the output from this modeling did not meet the statistical confidence thresholds required to predict the impact of this variant on FLNC protein function. In summary, the available evidence is currently insufficient to determine the role of this variant in disease. Therefore, it has been classified as a Variant of Uncertain Significance.

Revvity Omics, Revvity
Classification: Uncertain significance. Last evaluated: 2024-02-05. Review status: criteria provided, single submitter. Criteria: ACMG Guidelines, 2015. Collection method: clinical testing. Allele origin: germline.

NM_001458.5(FLNC):c.125T>C (p.Phe42Ser)

Gene: FLNC (filamin C; plus strand). Cytogenetic location: 7q32.1.
Variant type: single nucleotide variant.
Coding change: c.125T>C on transcript NM_001458.5 (MANE Select); coding-DNA position 125, T replaced by C.
Protein change: p.Phe42Ser; replaces phenylalanine 42 with serine.
Molecular consequence: missense variant.
Genome position (GRCh38, 1-based): chr7:128,830,762, T>C. VCF-style: chr7-128830762-T-C. GRCh37 (hg19) VCF-style: chr7-128470816-T-C.
Other names: c.125T>C, p.Phe42Ser (NM_001127487.2); short protein forms F42S.
Identifiers: ClinVar variation 539424 (VCV000539424.11), dbSNP rs777706683, ClinGen allele CA4473961.